The following is an entry in ClinVar:

NM_007175.8(ERLIN2):c.47_48delinsAA (p.Cys16Ter)

Gene: ERLIN2 (ER lipid raft associated 2; plus strand). Cytogenetic location: 8p11.23.
Variant type: Indel.
Coding change: c.47_48delinsAA on transcript NM_007175.8 (MANE Select); coding-DNA positions 47 to 48, GT replaced by AA.
Protein change: p.Cys16Ter; replaces cysteine 16 with a stop codon.
Molecular consequence: nonsense.
Genome position (GRCh38, 1-based): chr8:37,737,969-37,737,970, GT replaced by AA. VCF-style: chr8-37737969-GT-AA. GRCh37 (hg19) VCF-style: chr8-37595487-GT-AA.
Other names: c.47_48delinsAA, p.Cys16Ter (NM_001003790.4, NM_001003791.3, NM_001362878.2 and 1 more transcripts); short protein forms C16*.
Identifiers: ClinVar variation 2579114 (VCV002579114.2), dbSNP rs2487278624, ClinGen allele CA2580617921.

ClinVar aggregate classification (germline): Pathogenic (1 of 4 stars; one submission).

Conditions:
Hereditary spastic paraplegia 18. Identifiers: Orphanet 209951, MedGen C2749936, MONDO:0012639.

Submission:

Laboratory of Human Molecular Genetics, Federal University of Alagoas
Classification: Pathogenic for Spastic paraplegia 18b, autosomal recessive. Last evaluated: 2023-09-05. Review status: criteria provided, single submitter. Criteria: ACMG Guidelines, 2015. Collection method: research. Allele origin: germline. Inheritance: Autosomal recessive inheritance. Affected: yes and no. Observed: 8 variant alleles, 4 heterozygotes, 4 homozygotes. Clinical features observed: childhood cataract.
Comment: This sequence change creates a premature translational stop signal (c.47_48delinsAA; p.Cys16*) in the ERLIN2 gene. It is expected to result in an absent or disrupted protein product. This variant is not present in population databases (ExAC no frequency). This variant has not been reported in the literature in individuals with ERLIN2-related conditions. Loss-of-function variants in ERLIN2 are known to be pathogenic (PMID: 21330303, 23109145, 24482476, 27824013). For these reasons, this variant has been classified as Pathogenic. Also, all four patients displayed childhood cataract, expanding the known clinical spectrum of SPG18.